The following is an entry in ClinVar:

NM_007194.4(CHEK2):c.1494T>C (p.Leu498=)

Gene: CHEK2 (checkpoint kinase 2; minus strand). Cytogenetic location: 22q12.1.
Variant type: single nucleotide variant.
Coding change: c.1494T>C on transcript NM_007194.4 (MANE Select); coding-DNA position 1494, T replaced by C.
Protein change: p.Leu498=; no amino-acid change (leucine 498 retained).
Molecular consequence: synonymous variant.
Genome position (GRCh38, 1-based): chr22:28,689,183, A>G on the plus strand (T>C on the coding strand, the complement: CHEK2 is on the minus strand). VCF-style: chr22-28689183-A-G. GRCh37 (hg19) VCF-style: chr22-29085171-A-G.
Other names: c.1623T>C, p.Leu541= (NM_001005735.3); c.831T>C, p.Leu277= (NM_001257387.3); c.1293T>C, p.Leu431= (NM_001349956.3); c.1407T>C, p.Leu469= (NM_145862.3).
Identifiers: ClinVar variation 185233 (VCV000185233.24), dbSNP rs531931623, ClinGen allele CA191393.
Genomic context (GRCh38, chr22:28,689,183, plus strand): 5'-GAATACGAATACCTGGGCTAGAACCTGGGGTAGAGCTGTGGATTCATTTTCCTCAGACAG[A>G]AGATCTTGAAACTTTCTCTTCATGTCTTCATCCTGTGAGGGAATTAAAAACATAAGTAGC-3'
Protein context (NP_009125.1, residues 488-508): DEDMKRKFQD[Leu498=]LSEENESTAL

ClinVar aggregate classification (germline): Benign/Likely benign. Review status: criteria provided, multiple submitters, no conflicts (2 of 4 stars). 7 submissions from 7 submitters: Benign (1); Likely benign (6). Last evaluated 2026-01-09.

Conditions:
Hereditary cancer-predisposing syndrome. Also called: Tumor predisposition; Neoplastic Syndromes, Hereditary; Hereditary neoplastic syndrome; Hereditary Cancer Syndrome. Identifiers: Orphanet 140162, MedGen C0027672, MeSH D009386, MONDO:0015356.
Familial cancer of breast. Also called: BREAST CANCER, FAMILIAL; hereditary breast carcinoma; Hereditary breast cancer. Identifiers: Orphanet 227535, MedGen C0346153, MONDO:0016419, OMIM 114480. Disease mechanism: loss of function.

Allele frequency attached by ClinVar (database versions not stated): gnomAD 0.00001; TOPMed 0.00001; gnomAD exomes 0.00002 and 0.00005; ExAC 0.00004; 1000 Genomes Project 30x 0.00016; 1000 Genomes Project 0.00020.

Submissions (7):

Labcorp Genetics (formerly Invitae), Labcorp
Classification: Likely benign for Familial cancer of breast. Last evaluated: 2026-01-09. Review status: criteria provided, single submitter. Criteria: Invitae Variant Classification Sherloc (09022015). Collection method: clinical testing. Allele origin: germline.

Center for Genomic Medicine, Rigshospitalet, Copenhagen University Hospital
Classification: Likely benign. Last evaluated: 2025-03-04. Review status: criteria provided, single submitter. Criteria: ACMG Guidelines, 2015. Collection method: clinical testing. Allele origin: germline.

Myriad Genetics, Inc.
Classification: Benign for Familial cancer of breast. Last evaluated: 2024-10-08. Review status: criteria provided, single submitter. Criteria: Myriad Autosomal Dominant, Autosomal Recessive and X-Linked Classification Criteria (2023). Collection method: clinical testing. Allele origin: unknown.
Comment: This variant is considered benign. This variant is a silent/synonymous amino acid change and it is not expected to impact splicing.

Blueprint Genetics
Classification: Likely benign. Last evaluated: 2023-09-11. Review status: criteria provided, single submitter. Criteria: ACMG Guidelines, 2015. Collection method: clinical testing. Allele origin: germline.

Sema4
Classification: Likely benign for Hereditary cancer-predisposing syndrome. Last evaluated: 2021-07-27. Review status: criteria provided, single submitter. Criteria: Sema4 Curation Guidelines. Collection method: curation. Allele origin: germline.

Color Diagnostics, LLC DBA Color Health
Classification: Likely benign for Hereditary cancer-predisposing syndrome. Last evaluated: 2017-06-08. Review status: criteria provided, single submitter. Criteria: ACMG Guidelines, 2015. Collection method: clinical testing. Allele origin: germline.

Ambry Genetics
Classification: Likely benign for Hereditary cancer-predisposing syndrome. Last evaluated: 2014-06-18. Review status: criteria provided, single submitter. Criteria: Ambry Variant Classification Scheme 2023. Collection method: clinical testing. Allele origin: germline.